The following is an entry in ClinVar:

ClinVar aggregate classification (germline): Likely pathogenic (1 of 4 stars; one submission).

gnomAD v4.1: 2 of 1,613,072 alleles (0.00012%); highest among the groups gnomAD compares: Non-Finnish European, 0.00017%; no homozygotes.

Submission:

Labcorp Genetics (formerly Invitae), Labcorp
Classification: Likely pathogenic. Last evaluated: 2025-01-06. Review status: criteria provided, single submitter. Criteria: Invitae Variant Classification Sherloc (09022015). Collection method: clinical testing. Allele origin: germline.
Comment: This sequence change affects a donor splice site in intron 24 of the PNPT1 gene. It is expected to disrupt RNA splicing. Variants that disrupt the donor or acceptor splice site typically lead to a loss of protein function (PMID: 16199547), and loss-of-function variants in PNPT1 are known to be pathogenic (PMID: 28594066, 30244537). This variant is present in population databases (no rsID available, gnomAD 0.002%). This variant has not been reported in the literature in individuals affected with PNPT1-related conditions. Algorithms developed to predict the effect of sequence changes on RNA splicing suggest that this variant may disrupt the consensus splice site. In summary, the currently available evidence indicates that the variant is pathogenic, but additional data are needed to prove that conclusively. Therefore, this variant has been classified as Likely Pathogenic.

Literature cited by the submitters: PubMed 16199547; PubMed 28594066; PubMed 30244537.

NM_033109.5(PNPT1):c.2013+1G>A

Gene: PNPT1 (polyribonucleotide nucleotidyltransferase 1; minus strand). Cytogenetic location: 2p16.1.
Variant type: single nucleotide variant.
Coding change: c.2013+1G>A on transcript NM_033109.5 (MANE Select); the canonical splice donor site of the intron after coding-DNA position 2013, G replaced by A.
Molecular consequence: splice donor variant.
Genome position (GRCh38, 1-based): chr2:55,643,318, C>T on the plus strand (G>A on the coding strand, the complement: PNPT1 is on the minus strand). VCF-style: chr2-55643318-C-T. GRCh37 (hg19) VCF-style: chr2-55870453-C-T.
Identifiers: ClinVar variation 3683010 (VCV003683010.2).